The following is an entry in ClinVar:

ClinVar aggregate classification (germline): Uncertain significance (1 of 4 stars; one submission).

Submission:

Labcorp Genetics (formerly Invitae), Labcorp
Classification: Uncertain significance. Last evaluated: 2024-12-16. Review status: criteria provided, single submitter. Criteria: Invitae Variant Classification Sherloc (09022015). Collection method: clinical testing. Allele origin: germline.
Comment: This sequence change replaces glutamine, which is neutral and polar, with arginine, which is basic and polar, at codon 86 of the FTO protein (p.Gln86Arg). This variant is not present in population databases (gnomAD no frequency). This variant has not been reported in the literature in individuals affected with FTO-related conditions. ClinVar contains an entry for this variant (Variation ID: 1412056). Invitae Evidence Modeling of protein sequence and biophysical properties (such as structural, functional, and spatial information, amino acid conservation, physicochemical variation, residue mobility, and thermodynamic stability) indicates that this missense variant is not expected to disrupt FTO protein function with a negative predictive value of 80%. In summary, the available evidence is currently insufficient to determine the role of this variant in disease. Therefore, it has been classified as a Variant of Uncertain Significance.

NM_001080432.3(FTO):c.257A>G (p.Gln86Arg)

Gene: FTO (FTO alpha-ketoglutarate dependent dioxygenase; plus strand). Cytogenetic location: 16q12.2.
Variant type: single nucleotide variant.
Coding change: c.257A>G on transcript NM_001080432.3 (MANE Select); coding-DNA position 257, A replaced by G.
Protein change: p.Gln86Arg; replaces glutamine 86 with arginine.
Molecular consequence: missense variant.
Genome position (GRCh38, 1-based): chr16:53,825,997, A>G. VCF-style: chr16-53825997-A-G. GRCh37 (hg19) VCF-style: chr16-53859909-A-G.
Other names: c.257A>G, p.Gln86Arg (NM_001363891.2, NM_001363894.2, NM_001363896.2 and 6 more transcripts); c.179A>G, p.Gln60Arg (NM_001363897.2); c.-257A>G (NM_001363905.2); short protein forms Q86R, Q60R.
Identifiers: ClinVar variation 1412056 (VCV001412056.6), dbSNP rs778585710, ClinGen allele CA396121490.